The following is an entry in ClinVar:

ClinVar aggregate classification (germline): Uncertain significance (1 of 4 stars; one submission).

Allele frequency attached by ClinVar (database versions not stated): gnomAD exomes 0.00005; ExAC 0.00007; 1000 Genomes Project 30x 0.00031; ESP Exome Variant Server 0.00031; 1000 Genomes Project 0.00040; gnomAD 0.00044; TOPMed 0.00045.
gnomAD v4.1: 148 of 1,612,436 alleles (0.0092%); highest among the groups gnomAD compares: African/African-American, 0.16%; 1 homozygote.

Submission:

GeneDx
Classification: Uncertain significance. Last evaluated: 2023-03-01. Review status: criteria provided, single submitter. Criteria: GeneDx Variant Classification Process June 2021. Collection method: clinical testing. Allele origin: germline. Affected: yes.
Comment: In silico analysis supports that this variant does not alter splicing; Has not been previously published as pathogenic or benign to our knowledge

NM_001378328.1(CELSR1):c.762G>A (p.Leu254=)

Gene: CELSR1 (cadherin EGF LAG seven-pass G-type receptor 1; minus strand). Cytogenetic location: 22q13.31.
Variant type: single nucleotide variant.
Coding change: c.762G>A on transcript NM_001378328.1 (MANE Select); coding-DNA position 762, G replaced by A.
Protein change: p.Leu254=; no amino-acid change (leucine 254 retained).
Molecular consequence: synonymous variant.
Genome position (GRCh38, 1-based): chr22:46,536,409, C>T on the plus strand (G>A on the coding strand, the complement: CELSR1 is on the minus strand). VCF-style: chr22-46536409-C-T. GRCh37 (hg19) VCF-style: chr22-46932306-C-T.
Other names: c.762G>A, p.Leu254= (NM_014246.4).
Identifiers: ClinVar variation 2578274 (VCV002578274.1), dbSNP rs146846283, ClinGen allele CA10295632.